The following is an entry in ClinVar:

NM_032122.5(DTNBP1):c.946T>C (p.Ser316Pro)

Gene: DTNBP1 (dystrobrevin binding protein 1; minus strand). Cytogenetic location: 6p22.3.
Variant type: single nucleotide variant.
Coding change: c.946T>C on transcript NM_032122.5 (MANE Select); coding-DNA position 946, T replaced by C.
Protein change: p.Ser316Pro; replaces serine 316 with proline.
Molecular consequence: missense variant.
Genome position (GRCh38, 1-based): chr6:15,523,085, A>G on the plus strand (T>C on the coding strand, the complement: DTNBP1 is on the minus strand). VCF-style: chr6-15523085-A-G. GRCh37 (hg19) VCF-style: chr6-15523316-A-G.
Other names: c.703T>C, p.Ser235Pro (NM_001271667.2); c.895T>C, p.Ser299Pro (NM_001271668.2); c.841T>C, p.Ser281Pro (NM_001271669.2); short protein forms S281P, S235P, S299P, S316P.
Identifiers: ClinVar variation 1513123 (VCV001513123.6), dbSNP rs200026751, ClinGen allele CA3643675.

ClinVar aggregate classification (germline): Uncertain significance (1 of 4 stars; one submission).

Allele frequency attached by ClinVar (database versions not stated): gnomAD 0.00004 and 0.00005; ExAC 0.00008; TOPMed 0.00009; gnomAD exomes 0.00012; 1000 Genomes Project 0.00040; 1000 Genomes Project 30x 0.00047.
gnomAD v4.1: 46 of 1,613,700 alleles (0.0029%); highest among the groups gnomAD compares: East Asian, 0.089%; no homozygotes.

Submission:

Labcorp Genetics (formerly Invitae), Labcorp
Classification: Uncertain significance. Last evaluated: 2024-12-21. Review status: criteria provided, single submitter. Criteria: Invitae Variant Classification Sherloc (09022015). Collection method: clinical testing. Allele origin: germline.
Comment: This sequence change replaces serine, which is neutral and polar, with proline, which is neutral and non-polar, at codon 316 of the DTNBP1 protein (p.Ser316Pro). This variant is present in population databases (rs200026751, gnomAD 0.1%). This variant has not been reported in the literature in individuals affected with DTNBP1-related conditions. ClinVar contains an entry for this variant (Variation ID: 1513123). Invitae Evidence Modeling of protein sequence and biophysical properties (such as structural, functional, and spatial information, amino acid conservation, physicochemical variation, residue mobility, and thermodynamic stability) indicates that this missense variant is not expected to disrupt DTNBP1 protein function with a negative predictive value of 80%. In summary, the available evidence is currently insufficient to determine the role of this variant in disease. Therefore, it has been classified as a Variant of Uncertain Significance.